The following is an entry in ClinVar:

ClinVar aggregate classification (germline): Likely benign. Review status: criteria provided, multiple submitters, no conflicts (2 of 4 stars). 2 submissions from 2 submitters: Likely benign (2). Last evaluated 2024-11-11.

Conditions:
Nephronophthisis. Also called: Juvenile Nephronophthisis. Identifiers: Orphanet 655, MedGen C0687120, MONDO:0019005, HP:0000090.
Jeune thoracic dystrophy. Also called: Jeune syndrome; Infantile thoracic dystrophy; Thoracic pelvic phalangeal dystrophy; Jeune's syndrome; Chondroectodermal dysplasia-like syndrome; Short-rib thoracic dysplasia. Identifiers: Orphanet 474, MedGen C0265275, MONDO:0018770.
TTC21B-related disorder. Also called: TTC21B-related disorders; TTC21B-related condition.

Allele frequency attached by ClinVar (database versions not stated): gnomAD exomes below 0.00001; ExAC 0.00001; gnomAD 0.00001; TOPMed 0.00001.
gnomAD v4.1: 21 of 1,613,652 alleles (0.0013%); highest among the groups gnomAD compares: Non-Finnish European, 0.0018%; no homozygotes.

Submissions (2):

PreventionGenetics, part of Exact Sciences
Classification: Likely benign for TTC21B-related condition. Last evaluated: 2024-11-11. Review status: criteria provided, single submitter. Criteria: ACMG Guidelines, 2015. Collection method: clinical testing. Allele origin: germline.
Comment: This variant is classified as likely benign based on ACMG/AMP sequence variant interpretation guidelines (Richards et al. 2015 PMID: 25741868, with internal and published modifications).

Labcorp Genetics (formerly Invitae), Labcorp
Classification: Likely benign for Jeune thoracic dystrophy; Nephronophthisis. Last evaluated: 2024-06-19. Review status: criteria provided, single submitter. Criteria: Invitae Variant Classification Sherloc (09022015). Collection method: clinical testing. Allele origin: germline.

NM_024753.5(TTC21B):c.1441C>T (p.Leu481=)

Gene: TTC21B (tetratricopeptide repeat domain 21B; minus strand). Cytogenetic location: 2q24.3.
Variant type: single nucleotide variant.
Coding change: c.1441C>T on transcript NM_024753.5 (MANE Select); coding-DNA position 1441, C replaced by T.
Protein change: p.Leu481=; no amino-acid change (leucine 481 retained).
Molecular consequence: synonymous variant.
Genome position (GRCh38, 1-based): chr2:165,924,624, G>A on the plus strand (C>T on the coding strand, the complement: TTC21B is on the minus strand). VCF-style: chr2-165924624-G-A. GRCh37 (hg19) VCF-style: chr2-166781134-G-A.
Other names: c.1441C>T (NM_024753.4).
Identifiers: ClinVar variation 1359151 (VCV001359151.9), dbSNP rs773128226, ClinGen allele CA1942123.